The following is an entry in ClinVar:

NM_001696.4(ATP6V1E1):c.479A>G (p.Lys160Arg)

Gene: ATP6V1E1 (ATPase H+ transporting V1 subunit E1; minus strand). Cytogenetic location: 22q11.21.
Variant type: single nucleotide variant.
Coding change: c.479A>G on transcript NM_001696.4 (MANE Select); coding-DNA position 479, A replaced by G.
Protein change: p.Lys160Arg; replaces lysine 160 with arginine.
Molecular consequence: missense variant.
Genome position (GRCh38, 1-based): chr22:17,598,245, T>C on the plus strand (A>G on the coding strand, the complement: ATP6V1E1 is on the minus strand). VCF-style: chr22-17598245-T-C. GRCh37 (hg19) VCF-style: chr22-18081011-T-C.
Other names: c.413A>G, p.Lys138Arg (NM_001039366.1); c.389A>G, p.Lys130Arg (NM_001039367.1); short protein forms K130R, K138R, K160R.
Identifiers: ClinVar variation 3378033 (VCV003378033.1).
Genomic context (GRCh38, chr22:17,598,245, plus strand): 5'-ACTCCTTACATGTCTTCAGGCAGGTAGGACTCCTGGTCAATTTGGACATCAACATCGTTT[T>C]TGGTGGCAATTTTGTACATAGGAATTGCCTTCTGCACTGCAGCCTGGAAGTATAGAACAC-3'
Protein context (NP_001687.1, residues 150-170): KAIPMYKIAT[Lys160Arg]NDVDVQIDQE

ClinVar aggregate classification (germline): Uncertain significance (1 of 4 stars; one submission).

gnomAD v4.1: 38 of 1,614,040 alleles (0.0024%); highest among the groups gnomAD compares: Admixed American, 0.0083%; no homozygotes.

Submission:

GeneDx
Classification: Uncertain significance. Last evaluated: 2024-05-15. Review status: criteria provided, single submitter. Criteria: GeneDx Variant Classification Process June 2021. Collection method: clinical testing. Allele origin: germline. Affected: yes.
Comment: Not observed at significant frequency in large population cohorts (gnomAD); In silico analysis supports that this missense variant does not alter protein structure/function; Has not been previously published as pathogenic or benign to our knowledge